The following is an entry in ClinVar:

NM_001458.5(FLNC):c.7765A>G (p.Lys2589Glu)

Genes: FLNC (filamin C; plus strand), FLNC-AS1 (FLNC antisense RNA 1; minus strand). Cytogenetic location: 7q32.1.
Variant type: single nucleotide variant.
Coding change: c.7765A>G on transcript NM_001458.5 (MANE Select); coding-DNA position 7765, A replaced by G.
Protein change: p.Lys2589Glu; replaces lysine 2589 with glutamic acid.
Molecular consequence: missense variant.
Genome position (GRCh38, 1-based): chr7:128,857,321, A>G. VCF-style: chr7-128857321-A-G. GRCh37 (hg19) VCF-style: chr7-128497375-A-G.
Other names: c.7666A>G, p.Lys2556Glu (NM_001127487.2); short protein forms K2556E, K2589E.
Identifiers: ClinVar variation 949026 (VCV000949026.11), dbSNP rs1809109347, ClinGen allele CA369219950.

ClinVar aggregate classification (germline): Uncertain significance. Review status: criteria provided, multiple submitters, no conflicts (2 of 4 stars). 2 submissions from 2 submitters: Uncertain significance (2). Last evaluated 2025-07-24.

Conditions:
Myofibrillar myopathy 5. Also called: FILAMINOPATHY, AUTOSOMAL DOMINANT; Filaminopathy (type). Identifiers: Orphanet 171445, MedGen C1836050, MONDO:0012289, OMIM 609524.
Hypertrophic cardiomyopathy 26. Also called: Cardiomyopathy, familial hypertrophic, 26. Identifiers: Orphanet 75249, MedGen C4310749, MONDO:0014883, OMIM 617047.
Distal myopathy with posterior leg and anterior hand involvement. Also called: WILLIAMS DISTAL MYOPATHY. Identifiers: Orphanet 63273, MedGen C3279722, MONDO:0013550, OMIM 614065.
Cardiovascular phenotype. Identifiers: MedGen CN230736.

Submissions (2):

Molecular Diagnostic Laboratory for Inherited Cardiovascular Disease, Montreal Heart Institute
Classification: Uncertain significance for Cardiovascular phenotype. Last evaluated: 2025-07-24. Review status: criteria provided, single submitter. Criteria: ACMG Guidelines, 2015. Collection method: clinical testing. Allele origin: germline. Affected: yes.

Labcorp Genetics (formerly Invitae), Labcorp
Classification: Uncertain significance for Distal myopathy with posterior leg and anterior hand involvement; Myofibrillar myopathy 5; Hypertrophic cardiomyopathy 26. Last evaluated: 2024-08-05. Review status: criteria provided, single submitter. Criteria: Invitae Variant Classification Sherloc (09022015). Collection method: clinical testing. Allele origin: germline.
Comment: This sequence change replaces lysine, which is basic and polar, with glutamic acid, which is acidic and polar, at codon 2589 of the FLNC protein (p.Lys2589Glu). This variant is not present in population databases (gnomAD no frequency). This variant has not been reported in the literature in individuals affected with FLNC-related conditions. ClinVar contains an entry for this variant (Variation ID: 949026). Advanced modeling of protein sequence and biophysical properties (such as structural, functional, and spatial information, amino acid conservation, physicochemical variation, residue mobility, and thermodynamic stability) performed at Invitae indicates that this missense variant is not expected to disrupt FLNC protein function with a negative predictive value of 95%. In summary, the available evidence is currently insufficient to determine the role of this variant in disease. Therefore, it has been classified as a Variant of Uncertain Significance.